The following is an entry in ClinVar:

ClinVar aggregate classification (germline): Likely benign (1 of 4 stars; one submission).

Allele frequency attached by ClinVar (database versions not stated): ExAC 0.00001; gnomAD 0.00001.
gnomAD v4.1: 3 of 1,613,890 alleles (0.00019%); highest among the groups gnomAD compares: East Asian, 0.0067%; no homozygotes.

Submission:

CeGaT Center for Human Genetics Tuebingen
Classification: Likely benign. Last evaluated: 2022-10-01. Review status: criteria provided, single submitter. Criteria: CeGaT Center For Human Genetics Tuebingen Variant Classification Criteria Version 2. Collection method: clinical testing. Allele origin: germline. Affected: yes. Observed: 1 variant allele.
Comment: ASXL2: BP4, BP7

NM_018263.6(ASXL2):c.4167A>G (p.Glu1389=)

Gene: ASXL2 (ASXL transcriptional regulator 2; minus strand). Cytogenetic location: 2p23.3.
Variant type: single nucleotide variant.
Coding change: c.4167A>G on transcript NM_018263.6 (MANE Select); coding-DNA position 4167, A replaced by G.
Protein change: p.Glu1389=; no amino-acid change (glutamic acid 1389 retained).
Molecular consequence: synonymous variant.
Genome position (GRCh38, 1-based): chr2:25,742,170, T>C on the plus strand (A>G on the coding strand, the complement: ASXL2 is on the minus strand). VCF-style: chr2-25742170-T-C. GRCh37 (hg19) VCF-style: chr2-25965039-T-C.
Other names: c.3993A>G, p.Glu1331= (NM_001369346.1); c.3387A>G, p.Glu1129= (NM_001369347.1).
Identifiers: ClinVar variation 2650733 (VCV002650733.24), dbSNP rs756079519, ClinGen allele CA1557348.